The following is an entry in ClinVar:

NM_001257180.2(SLC20A2):c.1595C>T (p.Thr532Ile)

Gene: SLC20A2 (solute carrier family 20 member 2; minus strand). Cytogenetic location: 8p11.21.
Variant type: single nucleotide variant.
Coding change: c.1595C>T on transcript NM_001257180.2 (MANE Select); coding-DNA position 1595, C replaced by T.
Protein change: p.Thr532Ile; replaces threonine 532 with isoleucine.
Molecular consequence: missense variant.
Genome position (GRCh38, 1-based): chr8:42,430,178, G>A on the plus strand (C>T on the coding strand, the complement: SLC20A2 is on the minus strand). VCF-style: chr8-42430178-G-A. GRCh37 (hg19) VCF-style: chr8-42287696-G-A.
Other names: c.1595C>T, p.Thr532Ile (NM_001257181.2, NM_006749.5); c.1595C>T (NM_006749.3, NM_006749.4); short protein forms T532I.
Identifiers: ClinVar variation 1416324 (VCV001416324.8), dbSNP rs138052637, ClinGen allele CA4733269.

ClinVar aggregate classification (germline): Conflicting classifications of pathogenicity. Review status: criteria provided, conflicting classifications (1 of 4 stars). 3 submissions from 3 submitters: Uncertain significance (2); Likely benign (1). Last evaluated 2025-05-27.

Conditions:
Inborn genetic diseases. Identifiers: MedGen C0950123, MeSH D030342.

Allele frequency attached by ClinVar (database versions not stated): TOPMed 0.00019; ESP Exome Variant Server 0.00038; gnomAD exomes 0.00046 and 0.00015; ExAC 0.00009; gnomAD 0.00019.
gnomAD v4.1: 677 of 1,613,950 alleles (0.042%); highest among the groups gnomAD compares: Non-Finnish European, 0.056%; no homozygotes.

Submissions (3):

Labcorp Genetics (formerly Invitae), Labcorp
Classification: Likely benign. Last evaluated: 2025-05-27. Review status: criteria provided, single submitter. Criteria: Invitae Variant Classification Sherloc (09022015). Collection method: clinical testing. Allele origin: germline.

GeneDx
Classification: Uncertain significance. Last evaluated: 2024-08-01. Review status: criteria provided, single submitter. Criteria: GeneDx Variant Classification Process June 2021. Collection method: clinical testing. Allele origin: germline. Affected: yes.
Comment: In silico analysis supports that this missense variant has a deleterious effect on protein structure/function; Has not been previously published as pathogenic or benign to our knowledge

Ambry Genetics
Classification: Uncertain significance for Inborn genetic diseases. Last evaluated: 2021-07-06. Review status: criteria provided, single submitter. Criteria: Ambry Variant Classification Scheme 2023. Collection method: clinical testing. Allele origin: germline.